The following is an entry in ClinVar:

NM_001042492.3(NF1):c.7392del (p.Asp2465fs)

Gene: NF1 (neurofibromin 1; plus strand). Cytogenetic location: 17q11.2.
Variant type: Deletion.
Coding change: c.7392del on transcript NM_001042492.3 (MANE Select); coding-DNA position 7392, one base deleted (T; older notation c.7392delT).
Protein change: p.Asp2465fs; shifts the reading frame from aspartic acid 2465.
Molecular consequence: frameshift variant.
Genome position (GRCh38, 1-based): chr17:31,350,253, T deleted. VCF-style (leftmost placement, unchanged base first): chr17-31350252-CT-C. GRCh37 (hg19) VCF-style: chr17-29677270-CT-C.
Other names: c.7329delT (NM_000267.3); c.7329delT, p.Asp2444Ilefs (NM_000267.4); short protein forms D2444fs, D2465fs.
Identifiers: ClinVar variation 185448 (VCV000185448.9), dbSNP rs786202180, ClinGen allele CA191988.

ClinVar aggregate classification (germline): Pathogenic. Review status: criteria provided, multiple submitters, no conflicts (2 of 4 stars). 3 submissions from 3 submitters: Pathogenic (3). Last evaluated 2022-03-15.

Conditions:
Hereditary cancer-predisposing syndrome. Also called: Tumor predisposition; Hereditary Cancer Syndrome; Hereditary neoplastic syndrome; Neoplastic Syndromes, Hereditary. Identifiers: Orphanet 140162, MedGen C0027672, MeSH D009386, MONDO:0015356.
Neurofibromatosis, type 1 (NF1). Also called: VON RECKLINGHAUSEN DISEASE; NEUROFIBROMATOSIS, TYPE I, SOMATIC; Peripheral type neurofibromatosis; Neurofibromatosis, type I. Identifiers: Orphanet 636, MedGen C0027831, MONDO:0018975, OMIM 162200. Disease mechanism: loss of function.

Submissions (3):

Genome-Nilou Lab
Classification: Pathogenic for Neurofibromatosis, type 1. Last evaluated: 2022-03-15. Review status: criteria provided, single submitter. Criteria: ACMG Guidelines, 2015. Collection method: clinical testing. Allele origin: germline. Affected: no.

Labcorp Genetics (formerly Invitae), Labcorp
Classification: Pathogenic for Neurofibromatosis, type 1. Last evaluated: 2022-03-13. Review status: criteria provided, single submitter. Criteria: Invitae Variant Classification Sherloc (09022015). Collection method: clinical testing. Allele origin: germline.
Comment: For these reasons, this variant has been classified as Pathogenic. ClinVar contains an entry for this variant (Variation ID: 185448). This variant has not been reported in the literature in individuals affected with NF1-related conditions. This variant is not present in population databases (gnomAD no frequency). This sequence change creates a premature translational stop signal (p.Asp2444Ilefs*24) in the NF1 gene. It is expected to result in an absent or disrupted protein product. Loss-of-function variants in NF1 are known to be pathogenic (PMID: 10712197, 23913538).

Ambry Genetics
Classification: Pathogenic for Hereditary cancer-predisposing syndrome. Last evaluated: 2014-07-03. Review status: criteria provided, single submitter. Criteria: Ambry Autosomal Dominant and X-Linked criteria (10/2015). Collection method: clinical testing. Allele origin: germline. Observed: 1 variant allele.
Comment: The c.7392delT pathogenic mutation, located in coding exon 50 of the NF1 gene, results from a deletion of one nucleotide at nucleotide position 7392, causing a translational frameshift with a predicted alternate stop codon (p.T2464Tfs*25). Since frameshifts are typically deleterious in nature, this alteration is interpreted as a disease-causing mutation (ACMG Recommendations for Standards for Interpretation and Reporting of Sequence Variations. Revision 2007. Genet Med. 2008;10:294).

Literature cited by the submitters: PubMed 10712197 (cited by Labcorp Genetics (formerly Invitae), Labcorp); PubMed 23913538 (cited by Labcorp Genetics (formerly Invitae), Labcorp).